The following is an entry in ClinVar:

ClinVar aggregate classification (germline): Conflicting classifications of pathogenicity. Review status: criteria provided, conflicting classifications (1 of 4 stars). 3 submissions from 3 submitters: Uncertain significance (1); Likely benign (1). 1 of the submissions does not count toward it. Last evaluated 2025-12-24.

Conditions:
Duchenne muscular dystrophy (DMD). Also called: Duchenne Muscular Dystrophy (DMD); MUSCULAR DYSTROPHY, PSEUDOHYPERTROPHIC PROGRESSIVE, DUCHENNE TYPE. Identifiers: Orphanet 98896, MedGen C0013264, MONDO:0010679, OMIM 310200.
Dystrophin deficiency.
Becker muscular dystrophy (BMD). Also called: MUSCULAR DYSTROPHY, PSEUDOHYPERTROPHIC PROGRESSIVE, BECKER TYPE; Becker Muscular Dystrophy (BMD). Identifiers: Orphanet 98895, MedGen C0917713, MONDO:0010311, OMIM 300376.
Cardiomyopathy (CMYO). Also called: Cardiomyopathies. Identifiers: Orphanet 167848, MedGen C0878544, MONDO:0004994, HP:0001638. Inheritance: Various modes of inheritance.
Cardiovascular phenotype. Identifiers: MedGen CN230736.

Allele frequency attached by ClinVar (database versions not stated): TOPMed 0.00002.
gnomAD v4.1: 8 of 1,208,361 alleles (0.00066%); highest among the groups gnomAD compares: Admixed American, 0.0066%; no homozygotes.

Submissions (3):

Labcorp Genetics (formerly Invitae), Labcorp
Classification: Likely benign for Duchenne muscular dystrophy. Last evaluated: 2025-12-24. Review status: criteria provided, single submitter. Criteria: Invitae Variant Classification Sherloc (09022015). Collection method: clinical testing. Allele origin: germline.

Ambry Genetics
Classification: Uncertain significance for Cardiovascular phenotype. Last evaluated: 2021-06-24. Review status: criteria provided, single submitter. Criteria: Ambry Variant Classification Scheme 2023. Collection method: clinical testing. Allele origin: germline.
Comment: The p.R314G variant (also known as c.940C>G), located in coding exon 9 of the DMD gene, results from a C to G substitution at nucleotide position 940. The arginine at codon 314 is replaced by glycine, an amino acid with dissimilar properties. Based on data from gnomAD, the G allele has an overall frequency of 0.001% (1/181716) total alleles studied, with 1 hemizygote observed. The highest observed frequency was 0.004% (1/27261) of Latino/ Admixed American alleles. This amino acid position is not well conserved in available vertebrate species. In addition, this alteration is predicted to be tolerated by in silico analysis. Since supporting evidence is limited at this time, the clinical significance of this alteration remains unclear.

Natera, Inc.
Classification: Uncertain significance for Becker muscular dystrophy; Cardiomyopathy; Duchenne muscular dystrophy; Dystrophin deficiency. Last evaluated: 2020-04-22. Review status: no assertion criteria provided. Collection method: clinical testing. Allele origin: germline. Not counted in ClinVar's aggregate classification.

NM_004006.3(DMD):c.940C>G (p.Arg314Gly)

Gene: DMD (dystrophin; minus strand). Cytogenetic location: Xp21.1.
Variant type: single nucleotide variant.
Coding change: c.940C>G on transcript NM_004006.3 (MANE Select); coding-DNA position 940, C replaced by G.
Protein change: p.Arg314Gly; replaces arginine 314 with glycine.
Molecular consequence: missense variant.
Genome position (GRCh38, 1-based): chrX:32,697,890, G>C on the plus strand (C>G on the coding strand, the complement: DMD is on the minus strand). VCF-style: chrX-32697890-G-C. GRCh37 (hg19) VCF-style: chrX-32716007-G-C.
Other names: c.916C>G, p.Arg306Gly (NM_000109.4); c.928C>G, p.Arg310Gly (NM_004009.3); c.571C>G, p.Arg191Gly (NM_004010.3); short protein forms R310G, R306G, R314G, R191G.
Identifiers: ClinVar variation 848075 (VCV000848075.11), dbSNP rs764526102, ClinGen allele CA412668416.